The following is an entry in ClinVar:

NM_000059.4(BRCA2):c.6044T>C (p.Leu2015Ser)

Gene: BRCA2 (BRCA2 DNA repair associated; plus strand). Cytogenetic location: 13q13.1.
Variant type: single nucleotide variant.
Coding change: c.6044T>C on transcript NM_000059.4 (MANE Select); coding-DNA position 6044, T replaced by C.
Protein change: p.Leu2015Ser; replaces leucine 2015 with serine.
Molecular consequence: missense variant.
Genome position (GRCh38, 1-based): chr13:32,340,399, T>C. VCF-style: chr13-32340399-T-C. GRCh37 (hg19) VCF-style: chr13-32914536-T-C.
Other names: short protein forms L2015S.
Identifiers: ClinVar variation 409562 (VCV000409562.18), dbSNP rs587776468, ClinGen allele CA16614330.
Genomic context (GRCh38, chr13:32,340,399, plus strand): 5'-ACGCAAGACAAGTGTTTTCTGAAATAGAAGATAGTACCAAGCAAGTCTTTTCCAAAGTAT[T>C]GTTTAAAAGTAACGAACATTCAGACCAGCTCACAAGAGAAGAAAATACTGCTATACGTAC-3'
Protein context (NP_000050.3, residues 2005-2025): DSTKQVFSKV[Leu2015Ser]FKSNEHSDQL

ClinVar aggregate classification (germline): Conflicting classifications of pathogenicity. Review status: criteria provided, conflicting classifications (1 of 4 stars). 5 submissions from 5 submitters: Uncertain significance (3); Likely benign (2). Last evaluated 2024-08-03.

Conditions:
Hereditary breast ovarian cancer syndrome. Also called: Hereditary breast and ovarian cancer syndrome; Hereditary breast and/or ovarian cancer syndrome; BRCA1- and BRCA2-Associated Hereditary Breast and Ovarian Cancer; Hereditary breast and ovarian cancer syndrome (HBOC); Hereditary breast and ovarian cancer; Breast and ovarian cancer. Identifiers: Orphanet 145, MedGen C0677776, MeSH D061325, MONDO:0003582. Disease mechanism: loss of function.
Breast-ovarian cancer, familial, susceptibility to, 2 (BROVCA2). Also called: BRCA2 Hereditary Breast and Ovarian Cancer. Identifiers: Orphanet 145, MedGen C2675520, MONDO:0012933, OMIM 612555. Disease mechanism: loss of function.
Hereditary cancer-predisposing syndrome. Also called: Hereditary neoplastic syndrome; Neoplastic Syndromes, Hereditary; Tumor predisposition; Hereditary Cancer Syndrome. Identifiers: Orphanet 140162, MedGen C0027672, MeSH D009386, MONDO:0015356.

Allele frequency attached by ClinVar (database versions not stated): gnomAD exomes below 0.00001.
gnomAD v4.1: 2 of 1,613,772 alleles (0.00012%); highest among the groups gnomAD compares: East Asian, 0.0045%; no homozygotes.

Submissions (5):

Labcorp Genetics (formerly Invitae), Labcorp
Classification: Uncertain significance for Hereditary breast ovarian cancer syndrome. Last evaluated: 2024-08-03. Review status: criteria provided, single submitter. Criteria: Invitae Variant Classification Sherloc (09022015). Collection method: clinical testing. Allele origin: germline.
Comment: This sequence change replaces leucine, which is neutral and non-polar, with serine, which is neutral and polar, at codon 2015 of the BRCA2 protein (p.Leu2015Ser). This variant is not present in population databases (gnomAD no frequency). This variant has not been reported in the literature in individuals affected with BRCA2-related conditions. ClinVar contains an entry for this variant (Variation ID: 409562). Advanced modeling of protein sequence and biophysical properties (such as structural, functional, and spatial information, amino acid conservation, physicochemical variation, residue mobility, and thermodynamic stability) performed at Invitae indicates that this missense variant is not expected to disrupt BRCA2 protein function with a negative predictive value of 95%. In summary, the available evidence is currently insufficient to determine the role of this variant in disease. Therefore, it has been classified as a Variant of Uncertain Significance.

All of Us Research Program, National Institutes of Health
Classification: Uncertain significance for Breast-ovarian cancer, familial, susceptibility to, 2. Last evaluated: 2024-01-11. Review status: criteria provided, single submitter. Criteria: ACMG Guidelines, 2015. Collection method: clinical testing. Allele origin: germline. Inheritance: Autosomal dominant inheritance. Observed: 1 variant allele, 1 heterozygote.
Comment: This missense variant replaces leucine with serine at codon 2015 of the BRCA2 protein. Computational prediction suggests that this variant may not impact protein structure and function (internally defined REVEL score threshold <= 0.5, PMID: 27666373). To our knowledge, functional studies have not been reported for this variant. This variant has been reported in unaffected individuals in the literature (PMID: 32980694, 30287823). This variant has not been identified in the general population by the Genome Aggregation Database (gnomAD). The available evidence is insufficient to determine the role of this variant in disease conclusively. Therefore, this variant is classified as a Variant of Uncertain Significance.

This study involves interpretation of variants in research participants for the purpose of population health screening. Participant phenotype was not available at the time of variant classification. Additional details can be found in publication PMID: 35346344, PMCID: PMC8962531

University of Washington Department of Laboratory Medicine, University of Washington
Classification: Likely benign for Hereditary cancer-predisposing syndrome. Last evaluated: 2023-03-23. Review status: criteria provided, single submitter. Criteria: Dines et al. (Genet Med. 2020). Collection method: curation. Allele origin: germline.
Comment: Missense variant in a coldspot region where missense variants are very unlikely to be pathogenic (PMID:31911673).

BRCA2 exon 11 coldspot. Reclassification based on statistical prior probability.

Color Diagnostics, LLC DBA Color Health
Classification: Uncertain significance for Hereditary cancer-predisposing syndrome. Last evaluated: 2022-03-22. Review status: criteria provided, single submitter. Criteria: ACMG Guidelines, 2015. Collection method: clinical testing. Allele origin: germline.
Comment: This missense variant replaces leucine with serine at codon 2015 of the BRCA2 protein. Computational prediction suggests that this variant may not impact protein structure and function (internally defined REVEL score threshold <= 0.5, PMID: 27666373). To our knowledge, functional studies have not been reported for this variant. This variant has been reported in unaffected individuals in the literature (PMID: 32980694, 30287823). This variant has not been identified in the general population by the Genome Aggregation Database (gnomAD). The available evidence is insufficient to determine the role of this variant in disease conclusively. Therefore, this variant is classified as a Variant of Uncertain Significance.

Ambry Genetics
Classification: Likely benign for Hereditary cancer-predisposing syndrome. Last evaluated: 2020-12-08. Review status: criteria provided, single submitter. Criteria: Ambry Variant Classification Scheme 2023. Collection method: clinical testing. Allele origin: germline.

Literature cited by the submitters: PubMed 30287823 (cited by All of Us Research Program, National Institutes of Health and Color Diagnostics, LLC DBA Color Health); PubMed 32980694 (cited by All of Us Research Program, National Institutes of Health and Color Diagnostics, LLC DBA Color Health).